The following is an entry in ClinVar:

NC_000009.11:g.(?_131115808)_(131117645_?)del

Gene: SLC27A4 (solute carrier family 27 member 4; plus strand). Cytogenetic location: 9q34.11.
Variant type: Deletion.
Identifiers: ClinVar variation 3245336 (VCV003245336.1).

ClinVar aggregate classification (germline): Likely pathogenic (1 of 4 stars; one submission).

Submission:

Labcorp Genetics (formerly Invitae), Labcorp
Classification: Likely pathogenic. Last evaluated: 2023-08-08. Review status: criteria provided, single submitter. Criteria: Invitae Variant Classification Sherloc (09022015). Collection method: clinical testing. Allele origin: unknown.
Comment: This variant results in the deletion of exon 10 and part of exon 9 (c.1312_1463-32del) of the SLC27A4 gene. It is expected to disrupt RNA splicing. Variants that disrupt the donor or acceptor splice site typically lead to a loss of protein function (PMID: 16199547), and loss-of-function variants in SLC27A4 are known to be pathogenic (PMID: 19631310, 21450060). This variant has not been reported in the literature in individuals affected with SLC27A4-related conditions. In summary, the currently available evidence indicates that the variant is pathogenic, but additional data are needed to prove that conclusively. Therefore, this variant has been classified as Likely Pathogenic.

Literature cited by the submitters: PubMed 16199547; PubMed 19631310; PubMed 21450060.